The following is an entry in ClinVar:

NM_001346754.2(PIGW):c.728T>C (p.Ile243Thr)

Genes: MYO19 (myosin XIX; minus strand), PIGW (phosphatidylinositol glycan anchor biosynthesis class W; plus strand). Cytogenetic location: 17q12.
Variant type: single nucleotide variant.
Coding change: c.728T>C on transcript NM_001346754.2 (MANE Select); coding-DNA position 728, T replaced by C.
Protein change: p.Ile243Thr; replaces isoleucine 243 with threonine.
Molecular consequence: missense variant.
Genome position (GRCh38, 1-based): chr17:36,537,829, T>C. VCF-style: chr17-36537829-T-C. GRCh37 (hg19) VCF-style: chr17-34893678-T-C.
Other names: c.728T>C, p.Ile243Thr (NM_001346755.2, NM_178517.5); short protein forms I243T.
Identifiers: ClinVar variation 2101101 (VCV002101101.4), dbSNP rs942294536, ClinGen allele CA399163451.

ClinVar aggregate classification (germline): Uncertain significance (1 of 4 stars; one submission).

Conditions:
Hyperphosphatasia with intellectual disability syndrome 5 (GPIBD11). Also called: GLYCOSYLPHOSPHATIDYLINOSITOL BIOSYNTHESIS DEFECT 11. Identifiers: Orphanet 247262, MedGen C4014958, MONDO:0014457, OMIM 616025.

gnomAD v4.1: 1 of 1,614,182 alleles (0.000062%); no homozygotes.

Submission:

Labcorp Genetics (formerly Invitae), Labcorp
Classification: Uncertain significance for Hyperphosphatasia with intellectual disability syndrome 5. Last evaluated: 2022-02-21. Review status: criteria provided, single submitter. Criteria: Invitae Variant Classification Sherloc (09022015). Collection method: clinical testing. Allele origin: germline.
Comment: In summary, the available evidence is currently insufficient to determine the role of this variant in disease. Therefore, it has been classified as a Variant of Uncertain Significance. Algorithms developed to predict the effect of missense changes on protein structure and function (SIFT, PolyPhen-2, Align-GVGD) all suggest that this variant is likely to be tolerated. This variant has not been reported in the literature in individuals affected with PIGW-related conditions. This variant is not present in population databases (gnomAD no frequency). This sequence change replaces isoleucine, which is neutral and non-polar, with threonine, which is neutral and polar, at codon 243 of the PIGW protein (p.Ile243Thr).